The following is an entry in ClinVar:

ClinVar aggregate classification (germline): Pathogenic (1 of 4 stars; one submission).

Conditions:
PKD1-related disorder. Also called: PKD1-related condition.

Submission:

PreventionGenetics, part of Exact Sciences
Classification: Pathogenic for PKD1-related condition. Last evaluated: 2024-11-23. Review status: criteria provided, single submitter. Criteria: ACMG Guidelines, 2015. Collection method: clinical testing. Allele origin: germline.
Comment: The PKD1 c.8224G>T variant is predicted to result in premature protein termination (p.Glu2742*). This variant was reported in an individual with autosomal dominant polycystic kidney disease (ADPKD) (Supplemental Table S6A, Kim et al. 2019. PubMed ID: 31740684). This variant has not been reported in a large population database (gnomAD), indicating this variant is rare. Nonsense variants in PKD1 are expected to be pathogenic. This variant is interpreted as pathogenic.

NM_001009944.3(PKD1):c.8224G>T (p.Glu2742Ter)

Gene: PKD1 (polycystin 1, transient receptor potential channel interacting; minus strand). Cytogenetic location: 16p13.3.
Variant type: single nucleotide variant.
Coding change: c.8224G>T on transcript NM_001009944.3 (MANE Select); coding-DNA position 8224, G replaced by T.
Protein change: p.Glu2742Ter; replaces glutamic acid 2742 with a stop codon.
Molecular consequence: nonsense.
Genome position (GRCh38, 1-based): chr16:2,103,833, C>A on the plus strand (G>T on the coding strand, the complement: PKD1 is on the minus strand). VCF-style: chr16-2103833-C-A. GRCh37 (hg19) VCF-style: chr16-2153834-C-A.
Other names: c.8224G>T, p.Glu2742Ter (NM_000296.4); short protein forms E2742*.
Identifiers: ClinVar variation 4999499 (VCV004999499.1).